The following is an entry in ClinVar:

ClinVar aggregate classification (germline): Pathogenic (1 of 4 stars; one submission).

Conditions:
Telangiectasia, hereditary hemorrhagic, type 2 (HHT2). Also called: ACVRL1-Related Hereditary Hemorrhagic Telangiectasia; Telangiectasia, hereditary hemorrhagic, type II. Identifiers: Orphanet 774, MedGen C1838163, MONDO:0010880, OMIM 600376. Disease mechanism: loss of function.

Submission:

Center of Genomic medicine, Geneva, University Hospital of Geneva
Classification: Pathogenic for Telangiectasia, hereditary hemorrhagic, type 2. Last evaluated: 2017-07-17. Review status: criteria provided, single submitter. Criteria: ACMG Guidelines, 2015. Collection method: clinical testing. Allele origin: germline. Affected: yes.

NM_000020.3(ACVRL1):c.105del (p.Cys36fs)

Gene: ACVRL1 (activin A receptor like type 1; plus strand). Cytogenetic location: 12q13.13.
Variant type: Deletion.
Coding change: c.105del on transcript NM_000020.3 (MANE Select); coding-DNA position 105, one base deleted (G; older notation c.105delG).
Protein change: p.Cys36fs; shifts the reading frame from cysteine 36.
Molecular consequence: frameshift variant.
Genome position (GRCh38, 1-based): chr12:51,913,142, G deleted. VCF-style (leftmost placement, unchanged base first): chr12-51913141-CG-C. GRCh37 (hg19) VCF-style: chr12-52306925-CG-C.
Other names: c.105del, p.Cys36fs (NM_001077401.2); short protein forms C36fs.
Identifiers: ClinVar variation 495052 (VCV000495052.3), dbSNP rs1555152447, ClinGen allele CA658683789.
Genomic context (GRCh38, chr12:51,913,141, plus strand): 5'-TTCCGGTGTGTCTTCCAGGAGACCCTGTGAAGCCGTCTCGGGGCCCGCTGGTGACCTGCA[CG>C]TGTGAGAGCCCACATTGCAAGGGGCCTACCTGCCGGGGGGCCTGGTGCACAGTAGTGCTG-3'